The following is an entry in ClinVar:

ClinVar aggregate classification (germline): Likely benign. Review status: criteria provided, multiple submitters, no conflicts (2 of 4 stars). 5 submissions from 5 submitters: Likely benign (5). Last evaluated 2026-09-15.

Conditions:
ACY1-related disorder. Also called: ACY1-related condition.

Allele frequency attached by ClinVar (database versions not stated): gnomAD exomes 0.00002 and 0.00011; ExAC 0.00015; 1000 Genomes Project 30x 0.00031; 1000 Genomes Project 0.00040; gnomAD 0.00051 and 0.00056; TOPMed 0.00053; ESP Exome Variant Server 0.00054.

Submissions (5):

PreventionGenetics, part of Exact Sciences
Classification: Likely benign for ACY1-related condition. Last evaluated: 2026-09-15. Review status: criteria provided, single submitter. Criteria: ACMG Guidelines, 2015. Collection method: clinical testing. Allele origin: germline.
Comment: This variant is classified as likely benign based on ACMG/AMP sequence variant interpretation guidelines (Richards et al. 2015 PMID: 25741868, with internal and published modifications).

CeGaT Center for Human Genetics Tuebingen
Classification: Likely benign. Last evaluated: 2026-02-01. Review status: criteria provided, single submitter. Criteria: CeGaT Center For Human Genetics Tuebingen Variant Classification Criteria Version 2. Collection method: clinical testing. Allele origin: germline. Affected: yes. Observed: 1 variant allele.
Comment: ABHD14A-ACY1: BP4, BP7; ACY1: BP4, BP7

Mayo Clinic Laboratories, Mayo Clinic
Classification: Likely benign. Last evaluated: 2025-07-08. Review status: criteria provided, single submitter. Criteria: ACMG Guidelines, 2015. Collection method: clinical testing. Allele origin: germline. Observed: 1 variant allele.
Comment: BS1, BP4, BP7

Labcorp Genetics (formerly Invitae), Labcorp
Classification: Likely benign. Last evaluated: 2025-06-28. Review status: criteria provided, single submitter. Criteria: Invitae Variant Classification Sherloc (09022015). Collection method: clinical testing. Allele origin: germline.

Blueprint Genetics
Classification: Likely benign. Last evaluated: 2024-07-29. Review status: criteria provided, single submitter. Criteria: ACMG Guidelines, 2015. Collection method: clinical testing. Allele origin: germline.

NM_000666.3(ACY1):c.48C>T (p.Phe16=)

Genes: ABHD14A-ACY1 (ABHD14A-ACY1 readthrough; plus strand), ACY1 (aminoacylase 1; plus strand). Cytogenetic location: 3p21.2.
Variant type: single nucleotide variant.
Coding change: c.48C>T on transcript NM_000666.3 (MANE Select); coding-DNA position 48, C replaced by T.
Protein change: p.Phe16=; no amino-acid change (phenylalanine 16 retained).
Molecular consequence: synonymous variant.
Genome position (GRCh38, 1-based): chr3:51,984,112, C>T. VCF-style: chr3-51984112-C-T. GRCh37 (hg19) VCF-style: chr3-52018128-C-T.
Other names: p.Phe16=; c.318C>T, p.Phe106= (NM_001316331.2); c.48C>T, p.Phe16= (NM_001198895.2, NM_001198896.2, NM_001198897.2 and 1 more transcripts).
Identifiers: ClinVar variation 731084 (VCV000731084.15), dbSNP rs200012512, ClinGen allele CA2428322.